The following is an entry in ClinVar:

ClinVar aggregate classification (germline): Pathogenic. Review status: criteria provided, multiple submitters, no conflicts (2 of 4 stars). 6 submissions from 6 submitters: Pathogenic (6). Last evaluated 2026-01-19.

Conditions:
Congenital disorder of glycosylation, type IIw. Identifiers: MedGen C5561986, MONDO:0030437, OMIM 619525.
Phosphate transport defect (GSD1C). Also called: GSD Ic; GLYCOGEN STORAGE DISEASE Ic. Identifiers: Orphanet 364, Orphanet 79259, MedGen C0342749, OMIM 232240.
Glucose-6-phosphate transport defect (GSD1B). Also called: Glycogen Storage Disease Type Ib; GSD Ib. Identifiers: Orphanet 364, Orphanet 79259, MedGen C0268146, MONDO:0009288, OMIM 232220.

Submissions (6):

Labcorp Genetics (formerly Invitae), Labcorp
Classification: Pathogenic for Glucose-6-phosphate transport defect. Last evaluated: 2026-01-19. Review status: criteria provided, single submitter. Criteria: Invitae Variant Classification Sherloc (09022015). Collection method: clinical testing. Allele origin: germline.
Comment: This sequence change creates a premature translational stop signal (p.Cys121Metfs*10) in the SLC37A4 gene. It is expected to result in an absent or disrupted protein product. Loss-of-function variants in SLC37A4 are known to be pathogenic (PMID: 9758626, 10940311). This variant is present in population databases (no rsID available, gnomAD 0.01%). This premature translational stop signal has been observed in individual(s) with autosomal recessive glycogen storage disease (PMID: 10482962). In at least one individual the data is consistent with being in trans (on the opposite chromosome) from a pathogenic variant. This variant is also known as 528_529insC. ClinVar contains an entry for this variant (Variation ID: 633417). For these reasons, this variant has been classified as Pathogenic.

Natera, Inc.
Classification: Pathogenic for Glycogen storage disease type Ib. Last evaluated: 2025-09-19. Review status: criteria provided, single submitter. Criteria: Natera Variant Classification Schema (03/2026). Collection method: clinical testing. Allele origin: germline.
Comment: The c.359dupC variant in SLC37A4 is a frameshift variant predicted to shift the reading frame beginning at codon 121 and leads to a stop codon 10 codons downstream. This variant is expected to result in nonsense mediated decay, truncation, or a dysfunctional protein product. This variant is rare in the general population with a frequency below the threshold expected for the associated phenotype(s). This variant has been observed in one or more individuals affected with the associated recessive disease, as either homozygous or compound heterozygous with a second variant (PMID: 11071391). Given the available evidence, this variant is classified as Pathogenic.

Baylor Genetics
Classification: Pathogenic for Glucose-6-phosphate transport defect. Last evaluated: 2024-02-25. Review status: criteria provided, single submitter. Criteria: ACMG Guidelines, 2015. Collection method: clinical testing. Allele origin: unknown.

Women's Health and Genetics/Laboratory Corporation of America, LabCorp
Classification: Pathogenic for Glucose-6-phosphate transport defect. Last evaluated: 2023-04-14. Review status: criteria provided, single submitter. Criteria: LabCorp Variant Classification Summary - May 2015. Collection method: clinical testing. Allele origin: germline.
Comment: Variant summary: SLC37A4 c.359dupC (p.Cys121MetfsX10) results in a premature termination codon, predicted to cause a truncation of the encoded protein or absence of the protein due to nonsense mediated decay, which are commonly known mechanisms for disease. Truncations downstream of this position have been classified as pathogenic by our laboratory. The variant allele was found at a frequency of 8.8e-06 in 226390 control chromosomes (gnomAD). c.359dupC has been reported in the literature in individuals affected with Glycogen Storage Disease (Veiga-da-Cunha_1999, Janecke_2000, Santer_2000, Matern_2002). These data indicate that the variant is likely to be associated with disease. To our knowledge, no experimental evidence demonstrating an impact on protein function has been reported. Two ClinVar submitters (evaluation after 2014) cite this variant as pathogenic. Based on the evidence outlined above, the variant was classified as pathogenic.

Fulgent Genetics
Classification: Pathogenic for Glucose-6-phosphate transport defect; Phosphate transport defect; Congenital disorder of glycosylation, type IIw. Last evaluated: 2022-04-05. Review status: criteria provided, single submitter. Criteria: ACMG Guidelines, 2015. Collection method: clinical testing. Allele origin: unknown.

Juno Genomics, Hangzhou Juno Genomics, Inc
Classification: Pathogenic for Congenital disorder of glycosylation, type IIw; Glucose-6-phosphate transport defect; Phosphate transport defect. Review status: criteria provided, single submitter. Criteria: ACMG Guidelines, 2015. Collection method: clinical testing. Allele origin: germline.
Comment: Absent from controls (or at extremely low frequency if recessive) in Genome Aggregation Database.;Null variant in a gene where loss of function (LOF) is a known mechanism of disease.;For recessive disorders, detected in trans with a pathogenic variant.;Patient's phenotype or family history is highly specific for a disease with a single genetic etiology.

Literature cited by the submitters: PubMed 9758626 (cited by Labcorp Genetics (formerly Invitae), Labcorp); PubMed 10940311 (cited by Labcorp Genetics (formerly Invitae), Labcorp); PubMed 10482962 (cited by Labcorp Genetics (formerly Invitae), Labcorp and Women's Health and Genetics/Laboratory Corporation of America, LabCorp); PubMed 11071391 (cited by Natera, Inc. and Women's Health and Genetics/Laboratory Corporation of America, LabCorp); PubMed 12373566 (cited by Women's Health and Genetics/Laboratory Corporation of America, LabCorp); PubMed 10923042 (cited by Women's Health and Genetics/Laboratory Corporation of America, LabCorp).

NM_001164277.2(SLC37A4):c.359dup (p.Cys121fs)

Gene: SLC37A4 (solute carrier family 37 member 4; minus strand). Cytogenetic location: 11q23.3.
Variant type: Duplication.
Coding change: c.359dup on transcript NM_001164277.2 (MANE Select); coding-DNA position 359, one base duplicated (C; older notation c.359dupC).
Protein change: p.Cys121fs; shifts the reading frame from cysteine 121.
Molecular consequence: frameshift variant.
Genome position (GRCh38, 1-based): chr11:119,028,216, G duplicated on the plus strand (C on the coding strand, the reverse complement: SLC37A4 is on the minus strand); the first of 5 consecutive G bases (chr11:119,028,216-119,028,220); duplicating any one gives the same sequence. VCF-style (leftmost placement, unchanged base first): chr11-119028215-T-TG. GRCh37 (hg19) VCF-style: chr11-118898925-T-TG.
Other names: c.359dupC (NM_001164277.1); c.359dup, p.Cys121fs (NM_001164278.2, NM_001164280.2, NM_001467.6); c.140dup, p.Cys48fs (NM_001164279.2); short protein forms C48fs, C121fs.
Identifiers: ClinVar variation 633417 (VCV000633417.15), dbSNP rs1182102272, ClinGen allele CA602577811.
Genomic context (GRCh38, chr11:119,028,215, plus strand): 5'-CTCTATGACAATCCAAACAGGCTCTTTGGAAGCACTCACCTTCCGCAGGACCTTCCCACA[T>TG]GGGGGCCAGCCCAGCCCCTGGGCCAGGCCATTAAGGAACCAGAGGGCAGCAAAGACAGGT-3'